The following is an entry in ClinVar:

NM_052872.4(IL17F):c.255-3C>T

Gene: IL17F (interleukin 17F; minus strand). Cytogenetic location: 6p12.2.
Variant type: single nucleotide variant.
Coding change: c.255-3C>T on transcript NM_052872.4 (MANE Select); 3 bases into the intron before coding-DNA position 255, C replaced by T.
Molecular consequence: intron variant.
Genome position (GRCh38, 1-based): chr6:52,237,171, G>A on the plus strand (C>T on the coding strand, the complement: IL17F is on the minus strand). VCF-style: chr6-52237171-G-A. GRCh37 (hg19) VCF-style: chr6-52101969-G-A.
Identifiers: ClinVar variation 2992654 (VCV002992654.3), dbSNP rs113299618, ClinGen allele CA138968965.

ClinVar aggregate classification (germline): Uncertain significance (1 of 4 stars; one submission).

Conditions:
Candidiasis, familial, 6 (CANDF6). Also called: Candidiasis, familial, 6, autosomal dominant. Identifiers: Orphanet 1334, MedGen C3151405, MONDO:0013503, OMIM 613956.

Allele frequency attached by ClinVar (database versions not stated): gnomAD exomes below 0.00001.
gnomAD v4.1: 1 of 1,610,164 alleles (0.000062%); highest among the groups gnomAD compares: Middle Eastern, 0.017%; no homozygotes.

Submission:

Labcorp Genetics (formerly Invitae), Labcorp
Classification: Uncertain significance for Candidiasis, familial, 6. Last evaluated: 2023-07-07. Review status: criteria provided, single submitter. Criteria: Invitae Variant Classification Sherloc (09022015). Collection method: clinical testing. Allele origin: germline.
Comment: This sequence change falls in intron 2 of the IL17F gene. It does not directly change the encoded amino acid sequence of the IL17F protein. It affects a nucleotide within the consensus splice site. This variant is not present in population databases (gnomAD no frequency). This variant has not been reported in the literature in individuals affected with IL17F-related conditions. Variants that disrupt the consensus splice site are a relatively common cause of aberrant splicing (PMID: 17576681, 9536098). Algorithms developed to predict the effect of sequence changes on RNA splicing suggest that this variant is not likely to affect RNA splicing. In summary, the available evidence is currently insufficient to determine the role of this variant in disease. Therefore, it has been classified as a Variant of Uncertain Significance.

Literature cited by the submitters: PubMed 17576681; PubMed 9536098.